The following is an entry in ClinVar:

ClinVar aggregate classification (germline): Uncertain significance (1 of 4 stars; one submission).

Conditions:
Osteogenesis imperfecta type I (OI1). Also called: OI, TYPE I; OSTEOGENESIS IMPERFECTA TARDA; OSTEOGENESIS IMPERFECTA WITH BLUE SCLERAE; Osteogenesis imperfecta type 1; Classic Non-deforming Osteogenesis Imperfecta with Blue Sclerae; Lobstein's Disease. Identifiers: Orphanet 216796, Orphanet 666, MedGen C0023931, MONDO:0008146, OMIM 166200. Disease mechanism: loss of function.

gnomAD v4.1: 3 of 1,613,986 alleles (0.00019%); highest among the groups gnomAD compares: Non-Finnish European, 0.00017%; no homozygotes.

Submission:

Labcorp Genetics (formerly Invitae), Labcorp
Classification: Uncertain significance for Osteogenesis imperfecta type I. Last evaluated: 2025-12-26. Review status: criteria provided, single submitter. Criteria: Invitae Variant Classification Sherloc (09022015). Collection method: clinical testing. Allele origin: germline.
Comment: This sequence change replaces alanine, which is neutral and non-polar, with threonine, which is neutral and polar, at codon 1400 of the COL1A1 protein (p.Ala1400Thr). This variant is not present in population databases (gnomAD no frequency). This variant has not been reported in the literature in individuals affected with COL1A1-related conditions. Invitae Evidence Modeling of protein sequence and biophysical properties (such as structural, functional, and spatial information, amino acid conservation, physicochemical variation, residue mobility, and thermodynamic stability) indicates that this missense variant is not expected to disrupt COL1A1 protein function with a negative predictive value of 95%. In summary, the available evidence is currently insufficient to determine the role of this variant in disease. Therefore, it has been classified as a Variant of Uncertain Significance.

NM_000088.4(COL1A1):c.4198G>A (p.Ala1400Thr)

Gene: COL1A1 (collagen type I alpha 1 chain; minus strand). Cytogenetic location: 17q21.33.
Variant type: single nucleotide variant.
Coding change: c.4198G>A on transcript NM_000088.4 (MANE Select); coding-DNA position 4198, G replaced by A.
Protein change: p.Ala1400Thr; replaces alanine 1400 with threonine.
Molecular consequence: missense variant.
Genome position (GRCh38, 1-based): chr17:50,185,828, C>T on the plus strand (G>A on the coding strand, the complement: COL1A1 is on the minus strand). VCF-style: chr17-50185828-C-T. GRCh37 (hg19) VCF-style: chr17-48263189-C-T.
Other names: short protein forms A1400T.
Identifiers: ClinVar variation 4707474 (VCV004707474.1).